The following is an entry in ClinVar:

NM_000077.5(CDKN2A):c.314A>C (p.Asp105Ala)

Gene: CDKN2A (cyclin dependent kinase inhibitor 2A; minus strand). Cytogenetic location: 9p21.3.
Variant type: single nucleotide variant.
Coding change: c.314A>C on transcript NM_000077.5; coding-DNA position 314, A replaced by C.
Protein change: p.Asp105Ala; replaces aspartic acid 105 with alanine.
Molecular consequence: missense variant (on NM_000077.6). On other transcripts: synonymous variant (1), 3 prime UTR variant (1).
Genome position (GRCh38, 1-based): chr9:21,971,045, T>G on the plus strand (A>C on the coding strand, the complement: CDKN2A is on the minus strand). VCF-style: chr9-21971045-T-G. GRCh37 (hg19) VCF-style: chr9-21971044-T-G.
Other names: c.314A>C, p.Asp105Ala (NM_000077.6, NM_001195132.2); c.161A>C, p.Asp54Ala (NM_001363763.2); c.357A>C, p.Gly119= (NM_058195.4); c.*237A>C (NM_058197.5); short protein forms D105A, D54A.
Identifiers: ClinVar variation 1728158 (VCV001728158.2), dbSNP rs2131093885, ClinGen allele CA373086080.
Genomic context (GRCh38, chr9:21,971,045, plus strand): 5'-TCGCGATGGCCCAGCTCCTCAGCCAGGTCCACGGGCAGACGGCCCCAGGCATCGCGCACG[T>G]CCAGCCGCGCCCCGGCCCGGTGCAGCACCACCAGCGTGTCCAGGAAGCCCTCCCGGGCAG-3'
Protein context (NP_000068.1, residues 95-115): VVLHRAGARL[Asp105Ala]VRDAWGRLPV

ClinVar aggregate classification (germline): Uncertain significance (1 of 4 stars; one submission).

Conditions:
Hereditary cancer-predisposing syndrome. Also called: Hereditary neoplastic syndrome; Hereditary Cancer Syndrome; Tumor predisposition; Neoplastic Syndromes, Hereditary. Identifiers: Orphanet 140162, MedGen C0027672, MeSH D009386, MONDO:0015356.

Submission:

Ambry Genetics
Classification: Uncertain significance for Hereditary cancer-predisposing syndrome. Last evaluated: 2020-09-21. Review status: criteria provided, single submitter. Criteria: Ambry Variant Classification Scheme 2023. Collection method: clinical testing. Allele origin: germline.
Comment: The p.D105A variant (also known as c.314A>C), located in coding exon 2 of the CDKN2A gene, results from an A to C substitution at nucleotide position 314. The aspartic acid at codon 105 is replaced by alanine, an amino acid with dissimilar properties. This amino acid position is highly conserved in available vertebrate species. In addition, the in silico prediction for this alteration is inconclusive. Since supporting evidence is limited at this time, the clinical significance of this alteration remains unclear.